The following is an entry in ClinVar:

ClinVar aggregate classification (germline): Uncertain significance (1 of 4 stars; one submission).

Submission:

Ambry Genetics
Classification: Uncertain significance. Last evaluated: 2026-01-02. Review status: criteria provided, single submitter. Criteria: Ambry Variant Classification Scheme 2023. Collection method: clinical testing. Allele origin: germline.
Comment: The p.V822M variant (also known as c.2464G>A), located in coding exon 17 of the CTNNA3 gene, results from a G to A substitution at nucleotide position 2464. The valine at codon 822 is replaced by methionine, an amino acid with highly similar properties. This amino acid position is conserved. In addition, this alteration is predicted to be deleterious by in silico analysis. Based on the available evidence, the clinical significance of this variant remains unclear.

NM_013266.4(CTNNA3):c.2464G>A (p.Val822Met)

Gene: CTNNA3 (catenin alpha 3; minus strand). Cytogenetic location: 10q21.3.
Variant type: single nucleotide variant.
Coding change: c.2464G>A on transcript NM_013266.4 (MANE Select); coding-DNA position 2464, G replaced by A.
Protein change: p.Val822Met; replaces valine 822 with methionine.
Molecular consequence: missense variant.
Genome position (GRCh38, 1-based): chr10:65,920,554, C>T on the plus strand (G>A on the coding strand, the complement: CTNNA3 is on the minus strand). VCF-style: chr10-65920554-C-T. GRCh37 (hg19) VCF-style: chr10-67680312-C-T.
Other names: c.2464G>A, p.Val822Met (NM_001127384.3); short protein forms V822M.
Identifiers: ClinVar variation 4842460 (VCV004842460.1).